The following is an entry in ClinVar:

NM_000814.6(GABRB3):c.835+5G>A

Gene: GABRB3 (gamma-aminobutyric acid type A receptor subunit beta3; minus strand). Cytogenetic location: 15q12.
Variant type: single nucleotide variant.
Coding change: c.835+5G>A on transcript NM_000814.6 (MANE Select); 5 bases into the intron after coding-DNA position 835, G replaced by A.
Molecular consequence: intron variant.
Genome position (GRCh38, 1-based): chr15:26,567,576, C>T on the plus strand (G>A on the coding strand, the complement: GABRB3 is on the minus strand). VCF-style: chr15-26567576-C-T. GRCh37 (hg19) VCF-style: chr15-26812723-C-T.
Other names: c.835+5G>A (NM_021912.5); c.580+5G>A (NM_001278631.2, NM_001191320.2); c.622+5G>A (NM_001191321.3).
Identifiers: ClinVar variation 565504 (VCV000565504.11), dbSNP rs374357218, ClinGen allele CA268155374.

ClinVar aggregate classification (germline): Uncertain significance. Review status: criteria provided, multiple submitters, no conflicts (2 of 4 stars). 2 submissions from 2 submitters: Uncertain significance (2). Last evaluated 2025-12-08.

Conditions:
Epilepsy, childhood absence, susceptibility to, 1. Also called: Epilepsy, childhood absence 1. Identifiers: Orphanet 64280, MedGen C1838604, MONDO:0020759, OMIM 600131.
Epilepsy, childhood absence, susceptibility to, 5. Identifiers: Orphanet 64280, MedGen C2677087, MONDO:0012843, OMIM 612269.

Allele frequency attached by ClinVar (database versions not stated): TOPMed 0.00011; ESP Exome Variant Server 0.00008; gnomAD 0.00006.
gnomAD v4.1: 28 of 1,613,136 alleles (0.0017%); highest among the groups gnomAD compares: African/African-American, 0.027%; no homozygotes.

Submissions (2):

Labcorp Genetics (formerly Invitae), Labcorp
Classification: Uncertain significance for Epilepsy, childhood absence, susceptibility to, 5; Epilepsy, childhood absence, susceptibility to, 1. Last evaluated: 2025-12-08. Review status: criteria provided, single submitter. Criteria: Invitae Variant Classification Sherloc (09022015). Collection method: clinical testing. Allele origin: germline.
Comment: This sequence change falls in intron 7 of the GABRB3 gene. It does not directly change the encoded amino acid sequence of the GABRB3 protein. It affects a nucleotide within the consensus splice site. This variant is present in population databases (rs374357218, gnomAD 0.02%). This variant has not been reported in the literature in individuals affected with GABRB3-related conditions. ClinVar contains an entry for this variant (Variation ID: 565504). Variants that disrupt the consensus splice site are a relatively common cause of aberrant splicing (PMID: 17576681, 9536098). Algorithms developed to predict the effect of sequence changes on RNA splicing suggest that this variant may disrupt the consensus splice site. In summary, the available evidence is currently insufficient to determine the role of this variant in disease. Therefore, it has been classified as a Variant of Uncertain Significance.

GeneDx
Classification: Uncertain significance. Last evaluated: 2019-11-19. Review status: criteria provided, single submitter. Criteria: GeneDx Variant Classification Process June 2021. Collection method: clinical testing. Allele origin: germline. Affected: yes.
Comment: In silico analysis, which includes splice predictors and evolutionary conservation, suggests this variant may impact gene splicing. In the absence of RNA/functional studies, the actual effect of this sequence change is unknown.; Has not been previously published as pathogenic or benign to our knowledge

Literature cited by the submitters: PubMed 17576681 (cited by Labcorp Genetics (formerly Invitae), Labcorp); PubMed 9536098 (cited by Labcorp Genetics (formerly Invitae), Labcorp).